The following is an entry in ClinVar:

NM_032119.4(ADGRV1):c.10411G>A (p.Glu3471Lys)

Gene: ADGRV1 (adhesion G protein-coupled receptor V1; plus strand). Cytogenetic location: 5q14.3.
Variant type: single nucleotide variant.
Coding change: c.10411G>A on transcript NM_032119.4 (MANE Select); coding-DNA position 10411, G replaced by A.
Protein change: p.Glu3471Lys; replaces glutamic acid 3471 with lysine.
Molecular consequence: missense variant. On other transcripts: non-coding transcript variant (1).
Genome position (GRCh38, 1-based): chr5:90,728,918, G>A. VCF-style: chr5-90728918-G-A. GRCh37 (hg19) VCF-style: chr5-90024735-G-A.
Other names: short protein forms E3471K.
Identifiers: ClinVar variation 46248 (VCV000046248.36), dbSNP rs2366928, ClinGen allele CA137991.

ClinVar aggregate classification (germline): Benign. Review status: criteria provided, multiple submitters, no conflicts (2 of 4 stars). 13 submissions from 13 submitters: Benign (10). 3 of the submissions do not count toward it. Last evaluated 2026-06-12.

Conditions:
Usher syndrome type 2C. Also called: Usher syndrome, type 2B; USHER SYNDROME, TYPE IIC. Identifiers: Orphanet 231178, Orphanet 886, MedGen C2931213, MONDO:0011558, OMIM 605472.

Allele frequency attached by ClinVar (database versions not stated): ExAC 0.74838; 1000 Genomes Project 0.82907; ESP Exome Variant Server 0.75296; gnomAD exomes 0.70441 and 0.75001; TOPMed 0.77902; gnomAD 0.76700 and 0.76852; 1000 Genomes Project 30x 0.82667.
gnomAD v4.1: 1,141,664 of 1,605,000 alleles (71%); highest among the groups gnomAD compares: African/African-American, 91%; 409,901 homozygotes.

Submissions (13):

Women's Health and Genetics/Laboratory Corporation of America, LabCorp
Classification: Benign. Last evaluated: 2026-06-12. Review status: criteria provided, single submitter. Criteria: LabCorp Variant Classification Summary - May 2015. Collection method: clinical testing. Allele origin: germline.

Labcorp Genetics (formerly Invitae), Labcorp
Classification: Benign. Last evaluated: 2026-02-04. Review status: criteria provided, single submitter. Criteria: Invitae Variant Classification Sherloc (09022015). Collection method: clinical testing. Allele origin: germline.

Genome-Nilou Lab
Classification: Benign for Usher syndrome type 2C. Last evaluated: 2021-08-10. Review status: criteria provided, single submitter. Criteria: ACMG Guidelines, 2015. Collection method: clinical testing. Allele origin: germline. Affected: no.

Mayo Clinic Laboratories, Mayo Clinic
Classification: Benign. Last evaluated: 2019-05-14. Review status: criteria provided, single submitter. Criteria: ACMG Guidelines, 2015. Collection method: clinical testing. Allele origin: germline. Observed: 148 variant alleles.

Illumina Laboratory Services, Illumina
Classification: Benign for Usher syndrome type 2C. Last evaluated: 2018-01-13. Review status: criteria provided, single submitter. Criteria: ICSL Variant Classification Criteria 13 December 2019. Collection method: clinical testing. Allele origin: germline.
Comment: This variant was observed in the ICSL laboratory as part of a predisposition screen in an ostensibly healthy population. It had not been previously curated by ICSL or reported in the Human Gene Mutation Database (HGMD: prior to June 1st, 2018), and was therefore a candidate for classification through an automated scoring system. Utilizing variant allele frequency, disease prevalence and penetrance estimates, and inheritance mode, an automated score was calculated to assess if this variant is too frequent to cause the disease. Based on the score and internal cut-off values, a variant classified as benign is not then subjected to further curation. The score for this variant resulted in a classification of benign for this disease.

Athena Diagnostics
Classification: Benign. Last evaluated: 2017-04-20. Review status: criteria provided, single submitter. Criteria: Athena Diagnostics Criteria. Collection method: clinical testing. Allele origin: germline.

GeneDx
Classification: Benign. Last evaluated: 2015-03-03. Review status: criteria provided, single submitter. Criteria: GeneDx Variant Classification Process June 2021. Collection method: clinical testing. Allele origin: germline. Affected: yes.

Eurofins Ntd Llc (ga)
Classification: Benign. Last evaluated: 2015-01-21. Review status: criteria provided, single submitter. Criteria: EGL Classification Definitions 2015. Collection method: clinical testing. Allele origin: germline. Observed: 1 variant allele, 1 heterozygote.

Laboratory for Molecular Medicine, Mass General Brigham Personalized Medicine
Classification: Benign. Last evaluated: 2010-03-23. Review status: criteria provided, single submitter. Criteria: LMM Criteria. Collection method: clinical testing. Allele origin: germline. Observed: 1,678 variant alleles.

PreventionGenetics, part of Exact Sciences
Classification: Benign. Review status: criteria provided, single submitter. Criteria: ACMG Guidelines, 2015. Collection method: clinical testing. Allele origin: germline.

Diagnostic Laboratory, Department of Genetics, University Medical Center Groningen
Classification: Benign. Review status: no assertion criteria provided. Collection method: clinical testing. Allele origin: germline. Affected: yes. Study: VKGL Data-share Consensus. Not counted in ClinVar's aggregate classification.

Genetic Services Laboratory, University of Chicago
Classification: Likely benign. Review status: no assertion criteria provided. Collection method: clinical testing. Allele origin: germline. Inheritance: Autosomal dominant inheritance. Not counted in ClinVar's aggregate classification.
Comment: Likely benign based on allele frequency in 1000 Genomes Project or ESP global frequency and its presence in a patient with a rare or unrelated disease phenotype. NOT Sanger confirmed

Joint Genome Diagnostic Labs from Nijmegen and Maastricht, Radboudumc and MUMC+
Classification: Benign. Review status: no assertion criteria provided. Collection method: clinical testing. Allele origin: germline. Affected: yes. Study: VKGL Data-share Consensus. Not counted in ClinVar's aggregate classification.